The following is an entry in ClinVar:

NM_021098.3(CACNA1H):c.6185C>T (p.Pro2062Leu)

Gene: CACNA1H (calcium voltage-gated channel subunit alpha1 H; plus strand). Cytogenetic location: 16p13.3.
Variant type: single nucleotide variant.
Coding change: c.6185C>T on transcript NM_021098.3 (MANE Select); coding-DNA position 6185, C replaced by T.
Protein change: p.Pro2062Leu; replaces proline 2062 with leucine.
Molecular consequence: missense variant.
Genome position (GRCh38, 1-based): chr16:1,220,117, C>T. VCF-style: chr16-1220117-C-T. GRCh37 (hg19) VCF-style: chr16-1270117-C-T.
Other names: c.6167C>T, p.Pro2056Leu (NM_001005407.2); short protein forms P2056L, P2062L.
Identifiers: ClinVar variation 1390761 (VCV001390761.6), dbSNP rs2141407028, ClinGen allele CA394149248.

ClinVar aggregate classification (germline): Uncertain significance (1 of 4 stars; one submission).

Conditions:
Hyperaldosteronism, familial, type IV (HALD4). Also called: FH IV; ALDOSTERONISM, PRIMARY, AND HYPERTENSION. Identifiers: Orphanet 642671, MedGen C4310756, MONDO:0014875, OMIM 617027.
Idiopathic generalized epilepsy. Also called: Generalised epilepsy; EIG. Identifiers: MedGen C0270850, MONDO:0005579, OMIM 600669.

Allele frequency attached by ClinVar (database versions not stated): gnomAD exomes below 0.00001.
gnomAD v4.1: 5 of 1,490,444 alleles (0.00034%); highest among the groups gnomAD compares: Non-Finnish European, 0.00036%; no homozygotes.

Submission:

Labcorp Genetics (formerly Invitae), Labcorp
Classification: Uncertain significance for Idiopathic generalized epilepsy; Hyperaldosteronism, familial, type IV. Last evaluated: 2021-11-12. Review status: criteria provided, single submitter. Criteria: Invitae Variant Classification Sherloc (09022015). Collection method: clinical testing. Allele origin: germline.
Comment: This variant has not been reported in the literature in individuals affected with CACNA1H-related conditions. In summary, the available evidence is currently insufficient to determine the role of this variant in disease. Therefore, it has been classified as a Variant of Uncertain Significance. Advanced modeling of protein sequence and biophysical properties (such as structural, functional, and spatial information, amino acid conservation, physicochemical variation, residue mobility, and thermodynamic stability) performed at Invitae indicates that this missense variant is not expected to disrupt CACNA1H protein function. This variant is not present in population databases (gnomAD no frequency). This sequence change replaces proline, which is neutral and non-polar, with leucine, which is neutral and non-polar, at codon 2062 of the CACNA1H protein (p.Pro2062Leu).